The following is an entry in ClinVar:

NM_001658.4(ARF1):c.202G>A (p.Val68Met)

Genes: ARF1 (ARF GTPase 1; plus strand), LOC126806039 (CDK7 strongly-dependent group 2 enhancer GRCh37_chr1:228284937-228286136; plus strand). Cytogenetic location: 1q42.13.
Variant type: single nucleotide variant.
Coding change: c.202G>A on transcript NM_001658.4 (MANE Select); coding-DNA position 202, G replaced by A.
Protein change: p.Val68Met; replaces valine 68 with methionine.
Molecular consequence: missense variant.
Genome position (GRCh38, 1-based): chr1:228,097,395, G>A. VCF-style: chr1-228097395-G-A. GRCh37 (hg19) VCF-style: chr1-228285096-G-A.
Other names: c.202G>A, p.Val68Met (NM_001024226.2, NM_001024227.1, NM_001024228.2); short protein forms V68M.
Identifiers: ClinVar variation 3253556 (VCV003253556.1), dbSNP rs2464587956.

ClinVar aggregate classification (germline): Pathogenic (1 of 4 stars; one submission).

Submission:

GeneDx
Classification: Pathogenic. Last evaluated: 2024-02-15. Review status: criteria provided, single submitter. Criteria: GeneDx Variant Classification Process June 2021. Collection method: clinical testing. Allele origin: germline. Affected: yes.
Comment: Not observed at significant frequency in large population cohorts (gnomAD); In silico analysis supports that this missense variant has a deleterious effect on protein structure/function; Has not been previously published as pathogenic or benign to our knowledge